The following is an entry in ClinVar:

ClinVar aggregate classification (germline): Pathogenic (1 of 4 stars; one submission).

Submission:

Quest Diagnostics Nichols Institute San Juan Capistrano
Classification: Pathogenic. Last evaluated: 2025-04-01. Review status: criteria provided, single submitter. Criteria: ACMG/ClinGen CNV Guidelines, 2019. Collection method: clinical testing. Allele origin: unknown.
Comment: This deletion involves at least 9 protein-coding genes, including GLI2 (OMIM 165230). Haploinsufficiency of GLI2 is associated with autosomal dominant disorders Culler Jones syndrome (OMIM 615849) and holoprosencephaly-9 (OMIM 610829). However, both disorders have been identified in families with variable expressivity and individuals that are unaffected carriers (CCID:007217; Elward 2020, Kevelam 2012, Solomon 2012). There are no similar copy number losses of this region in the general populations of the Database of Genomic Variants. Thus, based on current medical literature, this copy number variant (CNV) is classified as pathogenic with reduced penetrance and variable expressivity. References: Elward et al., Clin Case Rep. 2020 Aug 30;8(11):2138-2144. PMID: 33235745, Kevelam et al., Am J Med Genet A. 2012 Jan;158A(1):166-73. PMID: 22106008, Solomon et al., Mol Syndromol. 2012 Sep;3(3):140-142. PMID: 23112757

GRCh37/hg19 2q14.2-14.3(chr2:120941682-124792343)x1

Genes: CLASP1 (cytoplasmic linker associated protein 1; minus strand), CNTNAP5 (contactin associated protein family member 5; plus strand), GLI2 (GLI family zinc finger 2; plus strand), INHBB (inhibin subunit beta B; plus strand), NIFK (nucleolar protein interacting with the FHA domain of MKI67; minus strand) and 5 more. Cytogenetic location: 2q14.2-14.3.
Variant type: copy number loss.
Change: copy number 1 (one copy instead of two) of chr2:120,941,682-124,792,343 (3.85 Mb, GRCh37 coordinates, 1-based), cytogenetic band 2q14.2-14.3.
Identifiers: ClinVar variation 4682547 (VCV004682547.1).